The following is an entry in ClinVar:

ClinVar aggregate classification (germline): Pathogenic (1 of 4 stars; one submission).

Submission:

Labcorp Genetics (formerly Invitae), Labcorp
Classification: Pathogenic. Last evaluated: 2022-06-30. Review status: criteria provided, single submitter. Criteria: Invitae Variant Classification Sherloc (09022015). Collection method: clinical testing. Allele origin: germline.
Comment: This sequence change creates a premature translational stop signal (p.Lys1669Argfs*74) in the MYH3 gene. It is expected to result in an absent or disrupted protein product. Loss-of-function variants in MYH3 are known to be pathogenic (PMID: 29805041, 30008475). This variant is not present in population databases (gnomAD no frequency). This variant has not been reported in the literature in individuals affected with MYH3-related conditions. For these reasons, this variant has been classified as Pathogenic.

Literature cited by the submitters: PubMed 29805041; PubMed 30008475.

NM_002470.4(MYH3):c.5006del (p.Lys1669fs)

Gene: MYH3 (myosin heavy chain 3; minus strand). Cytogenetic location: 17p13.1.
Variant type: Deletion.
Coding change: c.5006del on transcript NM_002470.4 (MANE Select); coding-DNA position 5006, one base deleted (A; older notation c.5006delA).
Protein change: p.Lys1669fs; shifts the reading frame from lysine 1669.
Molecular consequence: frameshift variant.
Genome position (GRCh38, 1-based): chr17:10,631,967, T deleted on the plus strand (A on the coding strand, the reverse complement: MYH3 is on the minus strand); the first of 2 consecutive T bases (chr17:10,631,967-10,631,968); deleting either gives the same sequence. VCF-style (leftmost placement, unchanged base first): chr17-10631966-CT-C. GRCh37 (hg19) VCF-style: chr17-10535283-CT-C.
Other names: short protein forms K1669fs.
Identifiers: ClinVar variation 2186647 (VCV002186647.1), dbSNP rs2508569046, ClinGen allele CA2580092517.
Genomic context (GRCh38, chr17:10,631,966, plus strand): 5'-CAGCTCCTCCACCTCGGCCTGCAGCAGGTTGGCTCTGCGCTCCACAATCGCCAGCTGCTC[CT>C]TCAGGTCCTCCTGGCCCCGGAGGGCATCATCCAGGTGGAGCTGCGTATCCTAGCCAGAGA-3'